The following is an entry in ClinVar:

NM_001276270.2(MBD4):c.1230G>A (p.Leu410=)

Gene: MBD4 (methyl-CpG binding domain 4, DNA glycosylase; minus strand). Cytogenetic location: 3q21.3.
Variant type: single nucleotide variant.
Coding change: c.1230G>A on transcript NM_001276270.2 (MANE Select); coding-DNA position 1230, G replaced by A.
Protein change: p.Leu410=; no amino-acid change (leucine 410 retained).
Molecular consequence: synonymous variant.
Genome position (GRCh38, 1-based): chr3:129,434,090, C>T on the plus strand (G>A on the coding strand, the complement: MBD4 is on the minus strand). VCF-style: chr3-129434090-C-T. GRCh37 (hg19) VCF-style: chr3-129152933-C-T.
Other names: c.1248G>A, p.Leu416= (NM_001276271.2, NM_001276272.2, NM_003925.3); c.294G>A, p.Leu98= (NM_001276273.2).
Identifiers: ClinVar variation 3543757 (VCV003543757.3).
Genomic context (GRCh38, chr3:129,434,090, plus strand): 5'-AGAATTTGCTGTTCTGATTGGGAAAGGGATACCTTCTTTGTTATATTTGCTGGAAAAATA[C>T]AGGCTTGTTTTCCTTCTTTCTATCTGTGTTCGTGGGATGGTATCTTCTGAAAAGGAAAAG-3'
Protein context (NP_001263199.1, residues 400-420): RTQIERRKTS[Leu410=]YFSSKYNKEA

ClinVar aggregate classification (germline): Benign/Likely benign. Review status: criteria provided, multiple submitters, no conflicts (2 of 4 stars). 3 submissions from 3 submitters: Benign (1); Likely benign (2). Last evaluated 2026-06-11.

Conditions:
Tumor predisposition syndrome 2 (TPDS2). Also called: MBD4-ASSOCIATED NEOPLASIA SYNDROME; MBD4-Related Tumor Predisposition Syndrome; MBD4-associated neoplasia syndrome (MANS). Identifiers: Orphanet 661526, MedGen C5774186, MONDO:0859267, OMIM 619975.
Inborn genetic diseases. Identifiers: MedGen C0950123, MeSH D030342.

gnomAD v4.1: 1 of 1,613,980 alleles (0.000062%); highest among the groups gnomAD compares: African/African-American, 0.0013%; no homozygotes.

Submissions (3):

Myriad Genetics, Inc.
Classification: Benign for Tumor predisposition syndrome 2. Last evaluated: 2026-06-11. Review status: criteria provided, single submitter. Criteria: Myriad Autosomal Dominant, Autosomal Recessive and X-Linked Classification Criteria (2023). Collection method: clinical testing. Allele origin: unknown.
Comment: This variant is considered benign. This variant is a silent/synonymous amino acid change and it is not expected to impact splicing.

Labcorp Genetics (formerly Invitae), Labcorp
Classification: Likely benign. Last evaluated: 2025-11-21. Review status: criteria provided, single submitter. Criteria: Invitae Variant Classification Sherloc (09022015). Collection method: clinical testing. Allele origin: germline.

Ambry Genetics
Classification: Likely benign for Inborn genetic diseases. Last evaluated: 2024-11-17. Review status: criteria provided, single submitter. Criteria: Ambry Variant Classification Scheme 2023. Collection method: clinical testing. Allele origin: germline.